The following is an entry in ClinVar:

NM_001384474.1(LOXHD1):c.3144C>T (p.Gly1048=)

Gene: LOXHD1 (lipoxygenase homology PLAT domains 1; minus strand). Cytogenetic location: 18q21.1.
Variant type: single nucleotide variant.
Coding change: c.3144C>T on transcript NM_001384474.1 (MANE Select); coding-DNA position 3144, C replaced by T.
Protein change: p.Gly1048=; no amino-acid change (glycine 1048 retained).
Molecular consequence: synonymous variant.
Genome position (GRCh38, 1-based): chr18:46,559,520, G>A on the plus strand (C>T on the coding strand, the complement: LOXHD1 is on the minus strand). VCF-style: chr18-46559520-G-A. GRCh37 (hg19) VCF-style: chr18-44139483-G-A.
Other names: c.3144C>T, p.Gly1048= (NM_144612.7).
Identifiers: ClinVar variation 4990499 (VCV004990499.1).

ClinVar aggregate classification (germline): Likely benign (1 of 4 stars; one submission).

Conditions:
LOXHD1-related disorder. Also called: LOXHD1-related condition.

gnomAD v4.1: 19 of 1,552,010 alleles (0.0012%); highest among the groups gnomAD compares: East Asian, 0.012%; no homozygotes.

Submission:

PreventionGenetics, part of Exact Sciences
Classification: Likely benign for LOXHD1-related condition. Last evaluated: 2025-08-20. Review status: criteria provided, single submitter. Criteria: ACMG Guidelines, 2015. Collection method: clinical testing. Allele origin: germline.
Comment: This variant is classified as likely benign based on ACMG/AMP sequence variant interpretation guidelines (Richards et al. 2015 PMID: 25741868, with internal and published modifications).